The following is an entry in ClinVar:

ClinVar aggregate classification (germline): Uncertain significance (1 of 4 stars; one submission).

Conditions:
Gnathodiaphyseal dysplasia (GDD). Also called: GNATHODIAPHYSEAL SCLEROSIS; OSTEOGENESIS IMPERFECTA WITH UNUSUAL SKELETAL LESIONS. Identifiers: Orphanet 53697, MedGen C1833736, MONDO:0008151, OMIM 166260.
Autosomal recessive limb-girdle muscular dystrophy type 2L (LGMDR12). Also called: Limb-girdle muscular dystrophy, type 2L; MUSCULAR DYSTROPHY, LIMB-GIRDLE, AUTOSOMAL RECESSIVE 12; Limb-Girdle Muscular Dystrophy R12 Anoctamin-5-Related (LGMD-R12). Identifiers: Orphanet 206549, MedGen C1969785, MONDO:0012652, OMIM 611307.

Submission:

Labcorp Genetics (formerly Invitae), Labcorp
Classification: Uncertain significance for Autosomal recessive limb-girdle muscular dystrophy type 2L; Gnathodiaphyseal dysplasia. Last evaluated: 2025-04-23. Review status: criteria provided, single submitter. Criteria: Invitae Variant Classification Sherloc (09022015). Collection method: clinical testing. Allele origin: germline.
Comment: This sequence change replaces asparagine, which is neutral and polar, with lysine, which is basic and polar, at codon 626 of the ANO5 protein (p.Asn626Lys). This variant is not present in population databases (gnomAD no frequency). This variant has not been reported in the literature in individuals affected with ANO5-related conditions. Invitae Evidence Modeling of protein sequence and biophysical properties (such as structural, functional, and spatial information, amino acid conservation, physicochemical variation, residue mobility, and thermodynamic stability) indicates that this missense variant is expected to disrupt ANO5 protein function with a positive predictive value of 95%. In summary, the available evidence is currently insufficient to determine the role of this variant in disease. Therefore, it has been classified as a Variant of Uncertain Significance.

NM_213599.3(ANO5):c.1878C>G (p.Asn626Lys)

Gene: ANO5 (anoctamin 5; plus strand). Cytogenetic location: 11p14.3.
Variant type: single nucleotide variant.
Coding change: c.1878C>G on transcript NM_213599.3 (MANE Select); coding-DNA position 1878, C replaced by G.
Protein change: p.Asn626Lys; replaces asparagine 626 with lysine.
Molecular consequence: missense variant.
Genome position (GRCh38, 1-based): chr11:22,263,023, C>G. VCF-style: chr11-22263023-C-G. GRCh37 (hg19) VCF-style: chr11-22284569-C-G.
Other names: c.1875C>G, p.Asn625Lys (NM_001142649.2); c.1836C>G, p.Asn612Lys (NM_001410963.1); c.1833C>G, p.Asn611Lys (NM_001410964.1); c.1800C>G, p.Asn600Lys (NM_001441294.1); c.1797C>G, p.Asn599Lys (NM_001441295.1); c.1785C>G, p.Asn595Lys (NM_001441296.1); c.1758C>G, p.Asn586Lys (NM_001441297.1); c.1722C>G, p.Asn574Lys (NM_001441298.1); and 4 more; short protein forms N595K, N612K, N625K, N481K, N599K, N611K, N626K, N464K.
Identifiers: ClinVar variation 4789398 (VCV004789398.1).